The following is an entry in ClinVar:

NM_002471.4(MYH6):c.2486G>A (p.Trp829Ter)

Gene: MYH6 (myosin heavy chain 6; minus strand). Cytogenetic location: 14q11.2.
Variant type: single nucleotide variant.
Coding change: c.2486G>A on transcript NM_002471.4 (MANE Select); coding-DNA position 2486, G replaced by A.
Protein change: p.Trp829Ter; replaces tryptophan 829 with a stop codon.
Molecular consequence: nonsense.
Genome position (GRCh38, 1-based): chr14:23,394,267, C>T on the plus strand (G>A on the coding strand, the complement: MYH6 is on the minus strand). VCF-style: chr14-23394267-C-T. GRCh37 (hg19) VCF-style: chr14-23863476-C-T.
Other names: short protein forms W829*.
Identifiers: ClinVar variation 470514 (VCV000470514.6), dbSNP rs1555334043, ClinGen allele CA389014649.

ClinVar aggregate classification (germline): Uncertain significance (1 of 4 stars; one submission).

Conditions:
Hypertrophic cardiomyopathy 14. Identifiers: MedGen C2750467, MONDO:0013197, OMIM 613251.

Allele frequency attached by ClinVar (database versions not stated): gnomAD exomes below 0.00001.
gnomAD v4.1: 2 of 1,614,214 alleles (0.00012%); highest among the groups gnomAD compares: Non-Finnish European, 0.00017%; no homozygotes.

Submission:

Labcorp Genetics (formerly Invitae), Labcorp
Classification: Uncertain significance for Hypertrophic cardiomyopathy 14. Last evaluated: 2023-11-13. Review status: criteria provided, single submitter. Criteria: Invitae Variant Classification Sherloc (09022015). Collection method: clinical testing. Allele origin: germline.
Comment: This sequence change creates a premature translational stop signal (p.Trp829*) in the MYH6 gene. It is expected to result in an absent or disrupted protein product. However, the current clinical and genetic evidence is not sufficient to establish whether loss-of-function variants in MYH6 cause disease. This variant is not present in population databases (gnomAD no frequency). This variant has not been reported in the literature in individuals affected with MYH6-related conditions. ClinVar contains an entry for this variant (Variation ID: 470514). In summary, the available evidence is currently insufficient to determine the role of this variant in disease. Therefore, it has been classified as a Variant of Uncertain Significance.